The following is an entry in ClinVar:

ClinVar aggregate classification (germline): Uncertain significance. Review status: criteria provided, multiple submitters, no conflicts (2 of 4 stars). 2 submissions from 2 submitters: Uncertain significance (2). Last evaluated 2026-06-03.

Conditions:
Inborn genetic diseases. Identifiers: MedGen C0950123, MeSH D030342.

Allele frequency attached by ClinVar (database versions not stated): gnomAD exomes below 0.00001.
gnomAD v4.1: 3 of 1,599,702 alleles (0.00019%); highest among the groups gnomAD compares: Non-Finnish European, 0.00025%; no homozygotes.

Submissions (2):

Ambry Genetics
Classification: Uncertain significance for Inborn genetic diseases. Last evaluated: 2026-06-03. Review status: criteria provided, single submitter. Criteria: Ambry Variant Classification Scheme 2023. Collection method: clinical testing. Allele origin: germline.

GeneDx
Classification: Uncertain significance. Last evaluated: 2019-04-09. Review status: criteria provided, single submitter. Criteria: GeneDx Variant Classification Process June 2021. Collection method: clinical testing. Allele origin: germline. Affected: yes.
Comment: Not observed in large population cohorts (Lek et al., 2016); In silico analysis, which includes protein predictors and evolutionary conservation, supports that this variant does not alter protein structure/function; Has not been previously published as pathogenic or benign to our knowledge

NM_005422.4(TECTA):c.2302G>C (p.Gly768Arg)

Genes: TBCEL-TECTA (TBCEL-TECTA readthrough; plus strand), TECTA (tectorin alpha; plus strand). Cytogenetic location: 11q23.3.
Variant type: single nucleotide variant.
Coding change: c.2302G>C on transcript NM_005422.4 (MANE Select); coding-DNA position 2302, G replaced by C.
Protein change: p.Gly768Arg; replaces glycine 768 with arginine.
Molecular consequence: missense variant.
Genome position (GRCh38, 1-based): chr11:121,128,279, G>C. VCF-style: chr11-121128279-G-C. GRCh37 (hg19) VCF-style: chr11-120998988-G-C.
Other names: c.3259G>C, p.Gly1087Arg (NM_001378761.1); short protein forms G1087R, G768R.
Identifiers: ClinVar variation 1308608 (VCV001308608.3), dbSNP rs202016102, ClinGen allele CA383015125.